The following is an entry in ClinVar:

ClinVar aggregate classification (germline): Uncertain significance. Review status: criteria provided, multiple submitters, no conflicts (2 of 4 stars). 2 submissions from 2 submitters: Uncertain significance (2). Last evaluated 2025-04-18.

Conditions:
Fanconi anemia complementation group J. Also called: BRIP1-Related Fanconi Anemia. Identifiers: Orphanet 84, MedGen C1836860, MONDO:0012187, OMIM 609054.
Familial cancer of breast. Also called: Hereditary breast cancer; hereditary breast carcinoma; BREAST CANCER, FAMILIAL. Identifiers: Orphanet 227535, MedGen C0346153, MONDO:0016419, OMIM 114480. Disease mechanism: loss of function.
Hereditary cancer-predisposing syndrome. Also called: Hereditary Cancer Syndrome; Tumor predisposition; Neoplastic Syndromes, Hereditary; Hereditary neoplastic syndrome. Identifiers: Orphanet 140162, MedGen C0027672, MeSH D009386, MONDO:0015356.

Submissions (2):

Ambry Genetics
Classification: Uncertain significance for Hereditary cancer-predisposing syndrome. Last evaluated: 2025-04-18. Review status: criteria provided, single submitter. Criteria: Ambry Variant Classification Scheme 2023. Collection method: clinical testing. Allele origin: germline.
Comment: The p.M526K variant (also known as c.1577T>A), located in coding exon 10 of the BRIP1 gene, results from a T to A substitution at nucleotide position 1577. The methionine at codon 526 is replaced by lysine, an amino acid with similar properties. This amino acid position is conserved. In addition, the in silico prediction for this alteration is inconclusive. Based on the available evidence, the clinical significance of this variant remains unclear.

Labcorp Genetics (formerly Invitae), Labcorp
Classification: Uncertain significance for Familial cancer of breast; Fanconi anemia complementation group J. Last evaluated: 2022-11-02. Review status: criteria provided, single submitter. Criteria: Invitae Variant Classification Sherloc (09022015). Collection method: clinical testing. Allele origin: germline.
Comment: This variant has not been reported in the literature in individuals affected with BRIP1-related conditions. In summary, the available evidence is currently insufficient to determine the role of this variant in disease. Therefore, it has been classified as a Variant of Uncertain Significance. Advanced modeling of protein sequence and biophysical properties (such as structural, functional, and spatial information, amino acid conservation, physicochemical variation, residue mobility, and thermodynamic stability) performed at Invitae indicates that this missense variant is not expected to disrupt BRIP1 protein function. This variant is not present in population databases (gnomAD no frequency). This sequence change replaces methionine, which is neutral and non-polar, with lysine, which is basic and polar, at codon 526 of the BRIP1 protein (p.Met526Lys).

NM_032043.3(BRIP1):c.1577T>A (p.Met526Lys)

Gene: BRIP1 (BRCA1 interacting DNA helicase 1; minus strand). Cytogenetic location: 17q23.2.
Variant type: single nucleotide variant.
Coding change: c.1577T>A on transcript NM_032043.3 (MANE Select); coding-DNA position 1577, T replaced by A.
Protein change: p.Met526Lys; replaces methionine 526 with lysine.
Molecular consequence: missense variant.
Genome position (GRCh38, 1-based): chr17:61,784,321, A>T on the plus strand (T>A on the coding strand, the complement: BRIP1 is on the minus strand). VCF-style: chr17-61784321-A-T. GRCh37 (hg19) VCF-style: chr17-59861682-A-T.
Other names: short protein forms M526K.
Identifiers: ClinVar variation 2044995 (VCV002044995.5), dbSNP rs2545053004, ClinGen allele CA400481084.